The following is an entry in ClinVar:

ClinVar aggregate classification (germline): Uncertain significance (1 of 4 stars; one submission).

Submission:

Labcorp Genetics (formerly Invitae), Labcorp
Classification: Uncertain significance. Last evaluated: 2025-11-27. Review status: criteria provided, single submitter. Criteria: Invitae Variant Classification Sherloc (09022015). Collection method: clinical testing. Allele origin: germline.
Comment: This sequence change replaces glutamic acid, which is acidic and polar, with glutamine, which is neutral and polar, at codon 104 of the SIAE protein (p.Glu104Gln). This variant is not present in population databases (gnomAD no frequency). This variant has not been reported in the literature in individuals affected with SIAE-related conditions. An algorithm developed to predict the effect of missense changes on protein structure and function (PolyPhen-2) suggests that this variant is likely to be tolerated. In summary, the available evidence is currently insufficient to determine the role of this variant in disease. Therefore, it has been classified as a Variant of Uncertain Significance.

NM_170601.5(SIAE):c.310G>C (p.Glu104Gln)

Gene: SIAE (sialic acid acetylesterase; minus strand). Cytogenetic location: 11q24.2.
Variant type: single nucleotide variant.
Coding change: c.310G>C on transcript NM_170601.5 (MANE Select); coding-DNA position 310, G replaced by C.
Protein change: p.Glu104Gln; replaces glutamic acid 104 with glutamine.
Molecular consequence: missense variant.
Genome position (GRCh38, 1-based): chr11:124,660,723, C>G on the plus strand (G>C on the coding strand, the complement: SIAE is on the minus strand). VCF-style: chr11-124660723-C-G. GRCh37 (hg19) VCF-style: chr11-124530619-C-G.
Other names: c.205G>C, p.Glu69Gln (NM_001199922.2); short protein forms E69Q, E104Q.
Identifiers: ClinVar variation 4765385 (VCV004765385.1).